The following is an entry in ClinVar:

NM_002223.4(ITPR2):c.279+6G>C

Gene: ITPR2 (inositol 1,4,5-trisphosphate receptor type 2; minus strand). Cytogenetic location: 12p11.23.
Variant type: single nucleotide variant.
Coding change: c.279+6G>C on transcript NM_002223.4 (MANE Select); 6 bases into the intron after coding-DNA position 279, G replaced by C.
Molecular consequence: intron variant.
Genome position (GRCh38, 1-based): chr12:26,725,644, C>G on the plus strand (G>C on the coding strand, the complement: ITPR2 is on the minus strand). VCF-style: chr12-26725644-C-G. GRCh37 (hg19) VCF-style: chr12-26878577-C-G.
Other names: c.279+6G>C (NM_001414174.1, NM_001414175.1).
Identifiers: ClinVar variation 3059684 (VCV003059684.2), dbSNP rs17480784, ClinGen allele CA6490169.

ClinVar aggregate classification (germline): Benign (0 of 4 stars; one submission).

Conditions:
ITPR2-related disorder. Also called: ITPR2-related condition.

Allele frequency attached by ClinVar (database versions not stated): 1000 Genomes Project 0.08906; 1000 Genomes Project 30x 0.09026; TOPMed 0.14934; gnomAD 0.16035; ESP Exome Variant Server 0.17790.
gnomAD v4.1: 327,324 of 1,594,616 alleles (21%); highest among the groups gnomAD compares: Non-Finnish European, 24%; 38,039 homozygotes.

Submission:

PreventionGenetics, part of Exact Sciences
Classification: Benign for ITPR2-related condition. Last evaluated: 2019-10-25. Review status: no assertion criteria provided. Collection method: clinical testing. Allele origin: germline.
Comment: This variant is classified as benign based on ACMG/AMP sequence variant interpretation guidelines (Richards et al. 2015 PMID: 25741868, with internal and published modifications).